The following is an entry in ClinVar:

ClinVar aggregate classification (germline): Uncertain significance. Review status: criteria provided, multiple submitters, no conflicts (2 of 4 stars). 3 submissions from 3 submitters: Uncertain significance (3). Last evaluated 2025-12-02.

Conditions:
Inborn genetic diseases. Identifiers: MedGen C0950123, MeSH D030342.
LRSAM1-related disorder. Also called: LRSAM1-related condition.
Charcot-Marie-Tooth disease axonal type 2P. Also called: Charcot-Marie-Tooth Neuropathy Type 2G; CHARCOT-MARIE-TOOTH DISEASE, AXONAL, TYPE 2G; CMT 2G; CHARCOT-MARIE-TOOTH NEUROPATHY, TYPE 2P. Identifiers: Orphanet 300319, Orphanet 99941, MedGen C3280797, MONDO:0013753, OMIM 614436.

Allele frequency attached by ClinVar (database versions not stated): gnomAD exomes below 0.00001; gnomAD 0.00001; TOPMed 0.00001.
gnomAD v4.1: 3 of 1,612,592 alleles (0.00019%); highest among the groups gnomAD compares: African/African-American, 0.0013%; no homozygotes.

Submissions (3):

PreventionGenetics, part of Exact Sciences
Classification: Uncertain significance for LRSAM1-related condition. Last evaluated: 2025-12-02. Review status: criteria provided, single submitter. Criteria: ACMG Guidelines, 2015. Collection method: clinical testing. Allele origin: germline.
Comment: The LRSAM1 c.1076T>G variant is predicted to result in the amino acid substitution p.Leu359Arg. To our knowledge, this variant has not been reported in the literature. This variant is reported in 0.0041% of alleles in individuals of African descent in gnomAD. At this time, the clinical significance of this variant is uncertain due to the absence of conclusive functional and genetic evidence.

Ambry Genetics
Classification: Uncertain significance for Inborn genetic diseases. Last evaluated: 2025-05-19. Review status: criteria provided, single submitter. Criteria: Ambry Variant Classification Scheme 2023. Collection method: clinical testing. Allele origin: germline.

Labcorp Genetics (formerly Invitae), Labcorp
Classification: Uncertain significance for Charcot-Marie-Tooth disease axonal type 2P. Last evaluated: 2023-04-25. Review status: criteria provided, single submitter. Criteria: Invitae Variant Classification Sherloc (09022015). Collection method: clinical testing. Allele origin: germline.
Comment: This sequence change replaces leucine, which is neutral and non-polar, with arginine, which is basic and polar, at codon 359 of the LRSAM1 protein (p.Leu359Arg). This variant is present in population databases (no rsID available, gnomAD 0.004%). This variant has not been reported in the literature in individuals affected with LRSAM1-related conditions. ClinVar contains an entry for this variant (Variation ID: 566049). Advanced modeling of protein sequence and biophysical properties (such as structural, functional, and spatial information, amino acid conservation, physicochemical variation, residue mobility, and thermodynamic stability) performed at Invitae indicates that this missense variant is expected to disrupt LRSAM1 protein function. In summary, the available evidence is currently insufficient to determine the role of this variant in disease. Therefore, it has been classified as a Variant of Uncertain Significance.

NM_001005373.4(LRSAM1):c.1076T>G (p.Leu359Arg)

Gene: LRSAM1 (leucine rich repeat and sterile alpha motif containing 1; plus strand). Cytogenetic location: 9q33.3.
Variant type: single nucleotide variant.
Coding change: c.1076T>G on transcript NM_001005373.4 (MANE Select); coding-DNA position 1076, T replaced by G.
Protein change: p.Leu359Arg; replaces leucine 359 with arginine.
Molecular consequence: missense variant. On other transcripts: non-coding transcript variant (2).
Genome position (GRCh38, 1-based): chr9:127,481,215, T>G. VCF-style: chr9-127481215-T-G. GRCh37 (hg19) VCF-style: chr9-130243494-T-G.
Other names: c.1076T>G (NM_138361.4); c.1076T>G, p.Leu359Arg (NM_001005374.4, NM_001190723.3, NM_001384142.1 and 2 more transcripts); c.287T>G, p.Leu96Arg (NM_001384144.1); short protein forms L359R, L96R.
Identifiers: ClinVar variation 566049 (VCV000566049.10), dbSNP rs1466479388, ClinGen allele CA374931930.
Genomic context (GRCh38, chr9:127,481,215, plus strand): 5'-CCAGGACCTTTTATGATTTTCTCCACAGACAAAAGAAAAGCTCCGAGATTTTGAAATCGC[T>G]GGAAAATGAAAGGTAAGTGTTCTTCCAGGGGAGGGCAGCATTTTTTTTTTTTTTTTGAGA-3'
Protein context (NP_001005373.1, residues 349-369): QKKSSEILKS[Leu359Arg]ENERIRMEQL